The following is an entry in ClinVar:

NM_001844.5(COL2A1):c.3084G>T (p.Thr1028=)

Gene: COL2A1 (collagen type II alpha 1 chain; minus strand). Cytogenetic location: 12q13.11.
Variant type: single nucleotide variant.
Coding change: c.3084G>T on transcript NM_001844.5 (MANE Select); coding-DNA position 3084, G replaced by T.
Protein change: p.Thr1028=; no amino-acid change (threonine 1028 retained).
Molecular consequence: synonymous variant.
Genome position (GRCh38, 1-based): chr12:47,978,037, C>A on the plus strand (G>T on the coding strand, the complement: COL2A1 is on the minus strand). VCF-style: chr12-47978037-C-A. GRCh37 (hg19) VCF-style: chr12-48371820-C-A.
Other names: c.2877G>T, p.Thr959= (NM_033150.3).
Identifiers: ClinVar variation 804571 (VCV000804571.29), dbSNP rs142786064, ClinGen allele CA6534901.

ClinVar aggregate classification (germline): Likely benign. Review status: criteria provided, multiple submitters, no conflicts (2 of 4 stars). 4 submissions from 4 submitters: Likely benign (4). Last evaluated 2026-02-04.

Allele frequency attached by ClinVar (database versions not stated): ExAC 0.00006; gnomAD exomes 0.00007; gnomAD 0.00010; TOPMed 0.00010; ESP Exome Variant Server 0.00015.
gnomAD v4.1: 219 of 1,613,520 alleles (0.014%); highest among the groups gnomAD compares: Non-Finnish European, 0.018%; 1 homozygote.

Submissions (4):

Labcorp Genetics (formerly Invitae), Labcorp
Classification: Likely benign. Last evaluated: 2026-02-04. Review status: criteria provided, single submitter. Criteria: Invitae Variant Classification Sherloc (09022015). Collection method: clinical testing. Allele origin: germline.

Blueprint Genetics
Classification: Likely benign. Last evaluated: 2024-11-14. Review status: criteria provided, single submitter. Criteria: ACMG Guidelines, 2015. Collection method: clinical testing. Allele origin: germline.

CeGaT Center for Human Genetics Tuebingen
Classification: Likely benign. Last evaluated: 2024-04-01. Review status: criteria provided, single submitter. Criteria: CeGaT Center For Human Genetics Tuebingen Variant Classification Criteria Version 2. Collection method: clinical testing. Allele origin: germline. Affected: yes. Observed: 1 variant allele.
Comment: COL2A1: BP4, BP7

Athena Diagnostics
Classification: Likely benign. Last evaluated: 2019-07-22. Review status: criteria provided, single submitter. Criteria: Athena Diagnostics Criteria. Collection method: clinical testing. Allele origin: germline.